The following is an entry in ClinVar:

NM_003000.3(SDHB):c.73-13T>C

Gene: SDHB (succinate dehydrogenase complex iron sulfur subunit B; minus strand). Cytogenetic location: 1p36.13.
Variant type: single nucleotide variant.
Coding change: c.73-13T>C on transcript NM_003000.3 (MANE Select); 13 bases into the intron before coding-DNA position 73, T replaced by C.
Molecular consequence: intron variant.
Genome position (GRCh38, 1-based): chr1:17,044,901, A>G on the plus strand (T>C on the coding strand, the complement: SDHB is on the minus strand). VCF-style: chr1-17044901-A-G. GRCh37 (hg19) VCF-style: chr1-17371396-A-G.
Identifiers: ClinVar variation 1532447 (VCV001532447.9), dbSNP rs769480915, ClinGen allele CA089731.

ClinVar aggregate classification (germline): Likely benign. Review status: criteria provided, multiple submitters, no conflicts (2 of 4 stars). 2 submissions from 2 submitters: Likely benign (2). Last evaluated 2025-03-12.

Conditions:
Pheochromocytoma/paraganglioma syndrome 4. Also called: PHEOCHROMOCYTOMA, FAMILIAL EXTRAADRENAL; CAROTID BODY TUMORS AND MULTIPLE EXTRAADRENAL PHEOCHROMOCYTOMAS; PARAGANGLIOMA, FAMILIAL MALIGNANT; PARAGANGLIOMAS, HEREDITARY EXTRAADRENAL; Paragangliomas 4; SDHB-Related Hereditary Paraganglioma-Pheochromocytoma Syndrome (Paragangliomas 4). Identifiers: Orphanet 29072, MedGen C1861848, MONDO:0007273, OMIM 115310.
Pheochromocytoma. Also called: MAX-Related Hereditary Paraganglioma-Pheochromocytoma Syndrome. Identifiers: Orphanet 29072, MedGen C0031511, MONDO:0008233, OMIM 171300, HP:0002666.
Gastrointestinal stromal tumor. Also called: Gastrointestinal stromal tumor, somatic; Gastrointestinal stroma tumor. Identifiers: Orphanet 44890, MedGen C0238198, MeSH D046152, MONDO:0011719, OMIM 606764, HP:0100723.

Allele frequency attached by ClinVar (database versions not stated): gnomAD exomes below 0.00001; ExAC 0.00001.
gnomAD v4.1: 5 of 1,612,324 alleles (0.00031%); highest among the groups gnomAD compares: South Asian, 0.0044%; no homozygotes.

Submissions (2):

Myriad Genetics, Inc.
Classification: Likely benign for Pheochromocytoma/paraganglioma syndrome 4. Last evaluated: 2025-03-12. Review status: criteria provided, single submitter. Criteria: Myriad Autosomal Dominant, Autosomal Recessive and X-Linked Classification Criteria (2023). Collection method: clinical testing. Allele origin: unknown.
Comment: This variant is considered likely benign. This variant is intronic and is not expected to impact mRNA splicing.

Labcorp Genetics (formerly Invitae), Labcorp
Classification: Likely benign for Gastrointestinal stromal tumor; Pheochromocytoma/paraganglioma syndrome 4; Pheochromocytoma. Last evaluated: 2021-11-08. Review status: criteria provided, single submitter. Criteria: Invitae Variant Classification Sherloc (09022015). Collection method: clinical testing. Allele origin: germline.